The following is an entry in ClinVar:

ClinVar aggregate classification (germline): Uncertain significance. Review status: criteria provided, multiple submitters, no conflicts (2 of 4 stars). 2 submissions from 2 submitters: Uncertain significance (2). Last evaluated 2025-12-08.

Conditions:
Hypertrophic cardiomyopathy. Also called: HYPERTROPHIC MYOCARDIOPATHY. Identifiers: Orphanet 217569, MedGen C0007194, MeSH D002312, MONDO:0005045, HP:0001639.

Allele frequency attached by ClinVar (database versions not stated): gnomAD exomes below 0.00001; gnomAD 0.00001 and 0.00002.
gnomAD v4.1: 6 of 1,612,780 alleles (0.00037%); highest among the groups gnomAD compares: Non-Finnish European, 0.00051%; no homozygotes.

Submissions (2):

Labcorp Genetics (formerly Invitae), Labcorp
Classification: Uncertain significance for Hypertrophic cardiomyopathy. Last evaluated: 2025-12-08. Review status: criteria provided, single submitter. Criteria: Invitae Variant Classification Sherloc (09022015). Collection method: clinical testing. Allele origin: germline.
Comment: This sequence change replaces alanine, which is neutral and non-polar, with proline, which is neutral and non-polar, at codon 400 of the MYOM1 protein (p.Ala400Pro). This variant is present in population databases (no rsID available, gnomAD 0.0009%). This variant has not been reported in the literature in individuals affected with MYOM1-related conditions. ClinVar contains an entry for this variant (Variation ID: 944572). An algorithm developed to predict the effect of missense changes on protein structure and function (PolyPhen-2) suggests that this variant is likely to be disruptive. In summary, the available evidence is currently insufficient to determine the role of this variant in disease. Therefore, it has been classified as a Variant of Uncertain Significance.

Ambry Genetics
Classification: Uncertain significance. Last evaluated: 2025-10-24. Review status: criteria provided, single submitter. Criteria: Ambry Variant Classification Scheme 2023. Collection method: clinical testing. Allele origin: germline.

NM_003803.4(MYOM1):c.1198G>C (p.Ala400Pro)

Gene: MYOM1 (myomesin 1; minus strand). Cytogenetic location: 18p11.31.
Variant type: single nucleotide variant.
Coding change: c.1198G>C on transcript NM_003803.4 (MANE Select); coding-DNA position 1198, G replaced by C.
Protein change: p.Ala400Pro; replaces alanine 400 with proline.
Molecular consequence: missense variant.
Genome position (GRCh38, 1-based): chr18:3,168,958, C>G on the plus strand (G>C on the coding strand, the complement: MYOM1 is on the minus strand). VCF-style: chr18-3168958-C-G. GRCh37 (hg19) VCF-style: chr18-3168956-C-G.
Other names: c.1198G>C, p.Ala400Pro (NM_019856.2); short protein forms A400P.
Identifiers: ClinVar variation 944572 (VCV000944572.10), dbSNP rs1221211210, ClinGen allele CA401715413.